The following is an entry in ClinVar:

ClinVar aggregate classification (germline): Uncertain significance (1 of 4 stars; one submission).

Submission:

Labcorp Genetics (formerly Invitae), Labcorp
Classification: Uncertain significance. Last evaluated: 2022-12-27. Review status: criteria provided, single submitter. Criteria: Invitae Variant Classification Sherloc (09022015). Collection method: clinical testing. Allele origin: germline.
Comment: In summary, the available evidence is currently insufficient to determine the role of this variant in disease. Therefore, it has been classified as a Variant of Uncertain Significance. Algorithms developed to predict the effect of sequence changes on RNA splicing suggest that this variant may disrupt the consensus splice site. Advanced modeling of protein sequence and biophysical properties (such as structural, functional, and spatial information, amino acid conservation, physicochemical variation, residue mobility, and thermodynamic stability) performed at Invitae indicates that this missense variant is not expected to disrupt ATP1A1 protein function. This variant has not been reported in the literature in individuals affected with ATP1A1-related conditions. This variant is not present in population databases (gnomAD no frequency). This sequence change replaces leucine, which is neutral and non-polar, with valine, which is neutral and non-polar, at codon 96 of the ATP1A1 protein (p.Leu96Val).

NM_000701.8(ATP1A1):c.286C>G (p.Leu96Val)

Gene: ATP1A1 (ATPase Na+/K+ transporting subunit alpha 1; plus strand). Cytogenetic location: 1p13.1.
Variant type: single nucleotide variant.
Coding change: c.286C>G on transcript NM_000701.8 (MANE Select); coding-DNA position 286, C replaced by G.
Protein change: p.Leu96Val; replaces leucine 96 with valine.
Molecular consequence: missense variant.
Genome position (GRCh38, 1-based): chr1:116,387,390, C>G. VCF-style: chr1-116387390-C-G. GRCh37 (hg19) VCF-style: chr1-116930012-C-G.
Other names: c.193C>G, p.Leu65Val (NM_001160234.2); c.286C>G, p.Leu96Val (NM_001160233.2); short protein forms L65V, L96V.
Identifiers: ClinVar variation 2824468 (VCV002824468.3), dbSNP rs2525823648, ClinGen allele CA341841195.